The following is an entry in ClinVar:

NM_006767.4(LZTR1):c.1970C>T (p.Ala657Val)

Gene: LZTR1 (leucine zipper like post translational regulator 1; plus strand). Cytogenetic location: 22q11.21.
Variant type: single nucleotide variant.
Coding change: c.1970C>T on transcript NM_006767.4 (MANE Select); coding-DNA position 1970, C replaced by T.
Protein change: p.Ala657Val; replaces alanine 657 with valine.
Molecular consequence: missense variant.
Genome position (GRCh38, 1-based): chr22:20,995,773, C>T. VCF-style: chr22-20995773-C-T. GRCh37 (hg19) VCF-style: chr22-21350062-C-T.
Other names: c.1970C>T (NM_006767.3); short protein forms A657V.
Identifiers: ClinVar variation 2057673 (VCV002057673.7), dbSNP rs1327559073, ClinGen allele CA410778980.

ClinVar aggregate classification (germline): Uncertain significance. Review status: criteria provided, multiple submitters, no conflicts (2 of 4 stars). 3 submissions from 3 submitters: Uncertain significance (3). Last evaluated 2026-03-01.

Allele frequency attached by ClinVar (database versions not stated): gnomAD exomes below 0.00001.
gnomAD v4.1: 2 of 1,613,594 alleles (0.00012%); highest among the groups gnomAD compares: East Asian, 0.0022%; no homozygotes.

Submissions (3):

CeGaT Center for Human Genetics Tuebingen
Classification: Uncertain significance. Last evaluated: 2026-03-01. Review status: criteria provided, single submitter. Criteria: CeGaT Center For Human Genetics Tuebingen Variant Classification Criteria Version 2. Collection method: clinical testing. Allele origin: germline. Affected: yes. Observed: 1 variant allele.
Comment: LZTR1: PM2

GeneDx
Classification: Uncertain significance. Last evaluated: 2024-08-15. Review status: criteria provided, single submitter. Criteria: GeneDx Variant Classification Process June 2021. Collection method: clinical testing. Allele origin: germline. Affected: yes.
Comment: Not observed at significant frequency in large population cohorts (gnomAD); In silico analysis indicates that this missense variant does not alter protein structure/function; Has not been previously published as pathogenic or benign to our knowledge

Labcorp Genetics (formerly Invitae), Labcorp
Classification: Uncertain significance. Last evaluated: 2023-03-04. Review status: criteria provided, single submitter. Criteria: Invitae Variant Classification Sherloc (09022015). Collection method: clinical testing. Allele origin: germline.
Comment: In summary, the available evidence is currently insufficient to determine the role of this variant in disease. Therefore, it has been classified as a Variant of Uncertain Significance. Advanced modeling of protein sequence and biophysical properties (such as structural, functional, and spatial information, amino acid conservation, physicochemical variation, residue mobility, and thermodynamic stability) performed at Invitae indicates that this missense variant is not expected to disrupt LZTR1 protein function. ClinVar contains an entry for this variant (Variation ID: 2057673). This variant has not been reported in the literature in individuals affected with LZTR1-related conditions. This variant is not present in population databases (gnomAD no frequency). This sequence change replaces alanine, which is neutral and non-polar, with valine, which is neutral and non-polar, at codon 657 of the LZTR1 protein (p.Ala657Val).